The following is an entry in ClinVar:

ClinVar aggregate classification (germline): Uncertain significance (1 of 4 stars; one submission).

Submission:

Labcorp Genetics (formerly Invitae), Labcorp
Classification: Uncertain significance. Last evaluated: 2020-08-31. Review status: criteria provided, single submitter. Criteria: Invitae Variant Classification Sherloc (09022015). Collection method: clinical testing. Allele origin: germline.
Comment: In summary, the available evidence is currently insufficient to determine the role of this variant in disease. Therefore, it has been classified as a Variant of Uncertain Significance. Nucleotide substitutions within the consensus splice site are a relatively common cause of aberrant splicing (PMID: 17576681, 9536098). Algorithms developed to predict the effect of sequence changes on RNA splicing suggest that this variant may disrupt the consensus splice site, but this prediction has not been confirmed by published transcriptional studies. This variant has not been reported in the literature in individuals with NEXMIF-related conditions. This variant is not present in population databases (ExAC no frequency). This sequence change falls in intron 2 of the NEXMIF gene. It does not directly change the encoded amino acid sequence of the NEXMIF protein, but it affects a nucleotide within the consensus splice site of the intron.

Literature cited by the submitters: PubMed 17576681; PubMed 9536098.

NM_001008537.3(NEXMIF):c.79+3A>G

Gene: NEXMIF (neurite extension and migration factor; minus strand). Cytogenetic location: Xq13.3.
Variant type: single nucleotide variant.
Coding change: c.79+3A>G on transcript NM_001008537.3 (MANE Select); 3 bases into the intron after coding-DNA position 79, A replaced by G.
Molecular consequence: intron variant.
Genome position (GRCh38, 1-based): chrX:74,745,569, T>C on the plus strand (A>G on the coding strand, the complement: NEXMIF is on the minus strand). VCF-style: chrX-74745569-T-C. GRCh37 (hg19) VCF-style: chrX-73965404-T-C.
Identifiers: ClinVar variation 1009536 (VCV001009536.6), dbSNP rs2080123764, ClinGen allele CA2437591679.